The following is an entry in ClinVar:

NM_004789.4(LHX2):c.248G>A (p.Cys83Tyr)

Gene: LHX2 (LIM homeobox 2; plus strand). Cytogenetic location: 9q33.3.
Variant type: single nucleotide variant.
Coding change: c.248G>A on transcript NM_004789.4 (MANE Select); coding-DNA position 248, G replaced by A.
Protein change: p.Cys83Tyr; replaces cysteine 83 with tyrosine.
Molecular consequence: missense variant.
Genome position (GRCh38, 1-based): chr9:124,014,088, G>A. VCF-style: chr9-124014088-G-A. GRCh37 (hg19) VCF-style: chr9-126776367-G-A.
Other names: short protein forms C83Y.
Identifiers: ClinVar variation 4047123 (VCV004047123.3).

ClinVar aggregate classification (germline): Uncertain significance. Review status: criteria provided, multiple submitters, no conflicts (2 of 4 stars). 2 submissions from 2 submitters: Uncertain significance (2). Last evaluated 2026-03-02.

Submissions (2):

GeneDx
Classification: Uncertain significance. Last evaluated: 2026-03-02. Review status: criteria provided, single submitter. Criteria: GeneDx Variant Classification Process June 2021. Collection method: clinical testing. Allele origin: germline.
Comment: Not observed at significant frequency in large population cohorts (gnomAD); In silico analysis supports that this missense variant has a deleterious effect on protein structure/function; Has not been previously published as pathogenic or benign to our knowledge

Ambry Genetics
Classification: Uncertain significance. Last evaluated: 2025-08-08. Review status: criteria provided, single submitter. Criteria: Ambry Variant Classification Scheme 2023. Collection method: clinical testing. Allele origin: germline.
Comment: The c.248G>A (p.C83Y) alteration is located in exon 2 (coding exon 2) of the LHX2 gene. This alteration results from a G to A substitution at nucleotide position 248, causing the cysteine (C) at amino acid position 83 to be replaced by a tyrosine (Y). This variant was not reported in population-based cohorts in the Genome Aggregation Database (gnomAD). This amino acid position is highly conserved in available vertebrate species. This missense alteration is located in a region that has a low rate of benign missense variation (Lek, 2016; Firth, 2009). This alteration is predicted to be deleterious by in silico analysis. Based on insufficient or conflicting evidence, the clinical significance of this alteration remains unclear.